The following is an entry in ClinVar:

NM_018136.5(ASPM):c.1880G>A (p.Arg627His)

Gene: ASPM (assembly factor for spindle microtubules; minus strand). Cytogenetic location: 1q31.3.
Variant type: single nucleotide variant.
Coding change: c.1880G>A on transcript NM_018136.5 (MANE Select); coding-DNA position 1880, G replaced by A.
Protein change: p.Arg627His; replaces arginine 627 with histidine.
Molecular consequence: missense variant.
Genome position (GRCh38, 1-based): chr1:197,142,372, C>T on the plus strand (G>A on the coding strand, the complement: ASPM is on the minus strand). VCF-style: chr1-197142372-C-T. GRCh37 (hg19) VCF-style: chr1-197111502-C-T.
Other names: c.1880G>A, p.Arg627His (NM_001206846.2); short protein forms R627H.
Identifiers: ClinVar variation 1412550 (VCV001412550.8), dbSNP rs373594954, ClinGen allele CA1310630.

ClinVar aggregate classification (germline): Uncertain significance (1 of 4 stars; one submission).

Allele frequency attached by ClinVar (database versions not stated): ESP Exome Variant Server 0.00015.
gnomAD v4.1: 52 of 1,613,702 alleles (0.0032%); highest among the groups gnomAD compares: South Asian, 0.0066%; no homozygotes.

Submission:

Labcorp Genetics (formerly Invitae), Labcorp
Classification: Uncertain significance. Last evaluated: 2025-07-14. Review status: criteria provided, single submitter. Criteria: Invitae Variant Classification Sherloc (09022015). Collection method: clinical testing. Allele origin: germline.
Comment: This sequence change replaces arginine, which is basic and polar, with histidine, which is basic and polar, at codon 627 of the ASPM protein (p.Arg627His). This variant is present in population databases (rs373594954, gnomAD 0.01%). This missense change has been observed in individual(s) with clinical features of ASPM-related conditions (PMID: 35982159). ClinVar contains an entry for this variant (Variation ID: 1412550). Invitae Evidence Modeling of protein sequence and biophysical properties (such as structural, functional, and spatial information, amino acid conservation, physicochemical variation, residue mobility, and thermodynamic stability) indicates that this missense variant is not expected to disrupt ASPM protein function with a negative predictive value of 80%. In summary, the available evidence is currently insufficient to determine the role of this variant in disease. Therefore, it has been classified as a Variant of Uncertain Significance.

Literature cited by the submitters: PubMed 35982159.